The following is an entry in ClinVar:

NM_007373.4(SHOC2):c.1207A>C (p.Ser403Arg)

Gene: SHOC2 (SHOC2 leucine rich repeat scaffold protein; plus strand). Cytogenetic location: 10q25.2.
Variant type: single nucleotide variant.
Coding change: c.1207A>C on transcript NM_007373.4 (MANE Select); coding-DNA position 1207, A replaced by C.
Protein change: p.Ser403Arg; replaces serine 403 with arginine.
Molecular consequence: missense variant. On other transcripts: non-coding transcript variant (1).
Genome position (GRCh38, 1-based): chr10:111,007,576, A>C. VCF-style: chr10-111007576-A-C. GRCh37 (hg19) VCF-style: chr10-112767334-A-C.
Other names: c.1069A>C, p.Ser357Arg (NM_001269039.3); c.1207A>C, p.Ser403Arg (NM_001324336.2, NM_001324337.2); short protein forms S357R, S403R.
Identifiers: ClinVar variation 3441509 (VCV003441509.1).

ClinVar aggregate classification (germline): Uncertain significance (1 of 4 stars; one submission).

Conditions:
Cardiovascular phenotype. Identifiers: MedGen CN230736.

Submission:

Ambry Genetics
Classification: Uncertain significance for Cardiovascular phenotype. Last evaluated: 2024-09-17. Review status: criteria provided, single submitter. Criteria: Ambry Variant Classification Scheme 2023. Collection method: clinical testing. Allele origin: germline.
Comment: The p.S403R variant (also known as c.1207A>C), located in coding exon 5 of the SHOC2 gene, results from an A to C substitution at nucleotide position 1207. The serine at codon 403 is replaced by arginine, an amino acid with dissimilar properties. This amino acid position is conserved. In addition, this alteration is predicted to be deleterious by in silico analysis. Based on the available evidence, the clinical significance of this variant remains unclear.